The following is an entry in ClinVar:

ClinVar aggregate classification (germline): Uncertain significance (1 of 4 stars; one submission).

gnomAD v4.1: 1 of 1,580,438 alleles (0.000063%); highest among the groups gnomAD compares: Admixed American, 0.0017%; no homozygotes.

Submission:

Labcorp Genetics (formerly Invitae), Labcorp
Classification: Uncertain significance. Last evaluated: 2023-06-21. Review status: criteria provided, single submitter. Criteria: Invitae Variant Classification Sherloc (09022015). Collection method: clinical testing. Allele origin: germline.
Comment: This sequence change replaces tyrosine, which is neutral and polar, with phenylalanine, which is neutral and non-polar, at codon 245 of the IL12RB2 protein (p.Tyr245Phe). In summary, the available evidence is currently insufficient to determine the role of this variant in disease. Therefore, it has been classified as a Variant of Uncertain Significance. An algorithm developed to predict the effect of missense changes on protein structure and function (PolyPhen-2) suggests that this variant is likely to be tolerated. This variant has not been reported in the literature in individuals affected with IL12RB2-related conditions. This variant is present in population databases (no rsID available, gnomAD 0.003%).

NM_001374259.2(IL12RB2):c.734A>T (p.Tyr245Phe)

Gene: IL12RB2 (interleukin 12 receptor subunit beta 2; plus strand). Cytogenetic location: 1p31.3.
Variant type: single nucleotide variant.
Coding change: c.734A>T on transcript NM_001374259.2 (MANE Select); coding-DNA position 734, A replaced by T.
Protein change: p.Tyr245Phe; replaces tyrosine 245 with phenylalanine.
Molecular consequence: missense variant. On other transcripts: non-coding transcript variant (2).
Genome position (GRCh38, 1-based): chr1:67,329,656, A>T. VCF-style: chr1-67329656-A-T. GRCh37 (hg19) VCF-style: chr1-67795339-A-T.
Other names: c.734A>T, p.Tyr245Phe (NM_001258214.1, NM_001258215.1, NM_001258216.1 and 2 more transcripts); short protein forms Y245F.
Identifiers: ClinVar variation 2789380 (VCV002789380.3), dbSNP rs1259673097, ClinGen allele CA340733768.